The following is an entry in ClinVar:

NM_004319.3(ASTN1):c.797G>C (p.Ser266Thr)

Gene: ASTN1 (astrotactin 1; minus strand). Cytogenetic location: 1q25.2.
Variant type: single nucleotide variant.
Coding change: c.797G>C on transcript NM_004319.3 (MANE Select); coding-DNA position 797, G replaced by C.
Protein change: p.Ser266Thr; replaces serine 266 with threonine.
Molecular consequence: missense variant.
Genome position (GRCh38, 1-based): chr1:177,032,524, C>G on the plus strand (G>C on the coding strand, the complement: ASTN1 is on the minus strand). VCF-style: chr1-177032524-C-G. GRCh37 (hg19) VCF-style: chr1-177001660-C-G.
Other names: c.797G>C, p.Ser266Thr (NM_001286164.2, NM_001364856.2, NM_207108.3); short protein forms S266T.
Identifiers: ClinVar variation 4891199 (VCV004891199.1).

ClinVar aggregate classification (germline): Uncertain significance (1 of 4 stars; one submission).

gnomAD v4.1: 102 of 1,614,146 alleles (0.0063%); highest among the groups gnomAD compares: African/African-American, 0.11%; no homozygotes.

Submission:

Greenwood Genetic Center Diagnostic Laboratories, Greenwood Genetic Center
Classification: Uncertain significance. Last evaluated: 2026-04-08. Review status: criteria provided, single submitter. Criteria: ACMG Guidelines, 2015. Collection method: clinical testing. Allele origin: germline.
Comment: PM2